The following is an entry in ClinVar:

ClinVar aggregate classification (germline): Pathogenic (1 of 4 stars; one submission).

Conditions:
GLUT1 deficiency syndrome 1, autosomal recessive. Identifiers: MedGen C3149117.

Submission:

Labcorp Genetics (formerly Invitae), Labcorp
Classification: Pathogenic for GLUT1 deficiency syndrome 1, autosomal recessive. Last evaluated: 2023-11-02. Review status: criteria provided, single submitter. Criteria: Invitae Variant Classification Sherloc (09022015). Collection method: clinical testing. Allele origin: germline.
Comment: This sequence change replaces cysteine, which is neutral and slightly polar, with arginine, which is basic and polar, at codon 133 of the SLC2A1 protein (p.Cys133Arg). This variant is not present in population databases (gnomAD no frequency). This missense change has been observed in individual(s) with GLUT1-deficiency syndrome (Invitae). In at least one individual the variant was observed to be de novo. ClinVar contains an entry for this variant (Variation ID: 944098). Advanced modeling of protein sequence and biophysical properties (such as structural, functional, and spatial information, amino acid conservation, physicochemical variation, residue mobility, and thermodynamic stability) performed at Invitae indicates that this missense variant is expected to disrupt SLC2A1 protein function with a positive predictive value of 95%. For these reasons, this variant has been classified as Pathogenic.

NM_006516.4(SLC2A1):c.397T>C (p.Cys133Arg)

Gene: SLC2A1 (solute carrier family 2 member 1; minus strand). Cytogenetic location: 1p34.2.
Variant type: single nucleotide variant.
Coding change: c.397T>C on transcript NM_006516.4 (MANE Select); coding-DNA position 397, T replaced by C.
Protein change: p.Cys133Arg; replaces cysteine 133 with arginine.
Molecular consequence: missense variant.
Genome position (GRCh38, 1-based): chr1:42,930,745, A>G on the plus strand (T>C on the coding strand, the complement: SLC2A1 is on the minus strand). VCF-style: chr1-42930745-A-G. GRCh37 (hg19) VCF-style: chr1-43396416-A-G.
Other names: short protein forms C133R.
Identifiers: ClinVar variation 944098 (VCV000944098.10), dbSNP rs1643480228, ClinGen allele CA339960880.
Genomic context (GRCh38, chr1:42,930,745, plus strand): 5'-GAAGGGCTGTGGGTGACACTTCACCCACATACATGGGCACGAAGCCTGTGGTCAGGCCGC[A>G]GTACACACCGATGATGAAGCGGCCCAGGATCAGCATCTCAAAGGACTTGCCCAGTTTCGA-3'
Protein context (NP_006507.2, residues 123-143): ILGRFIIGVY[Cys133Arg]GLTTGFVPMY